The following is an entry in ClinVar:

ClinVar aggregate classification (germline): Uncertain significance (1 of 4 stars; one submission).

Conditions:
KBG syndrome (KBGS). Also called: ANKRD11-Related KBG Syndrome. Identifiers: Orphanet 2332, MedGen C0220687, MONDO:0007846, OMIM 148050.

Allele frequency attached by ClinVar (database versions not stated): gnomAD exomes below 0.00001; gnomAD 0.00001; TOPMed 0.00001; ExAC 0.00004.
gnomAD v4.1: 7 of 1,587,708 alleles (0.00044%); highest among the groups gnomAD compares: Admixed American, 0.0035%; no homozygotes.

Submission:

Labcorp Genetics (formerly Invitae), Labcorp
Classification: Uncertain significance for KBG syndrome. Last evaluated: 2025-08-26. Review status: criteria provided, single submitter. Criteria: Invitae Variant Classification Sherloc (09022015). Collection method: clinical testing. Allele origin: germline.
Comment: This sequence change replaces serine, which is neutral and polar, with phenylalanine, which is neutral and non-polar, at codon 2021 of the ANKRD11 protein (p.Ser2021Phe). This variant is present in population databases (rs747612277, gnomAD 0.007%). This variant has not been reported in the literature in individuals affected with ANKRD11-related conditions. ClinVar contains an entry for this variant (Variation ID: 2168171). Invitae Evidence Modeling of protein sequence and biophysical properties (such as structural, functional, and spatial information, amino acid conservation, physicochemical variation, residue mobility, and thermodynamic stability) indicates that this missense variant is not expected to disrupt ANKRD11 protein function with a negative predictive value of 95%. In summary, the available evidence is currently insufficient to determine the role of this variant in disease. Therefore, it has been classified as a Variant of Uncertain Significance.

NM_013275.6(ANKRD11):c.6062C>T (p.Ser2021Phe)

Gene: ANKRD11 (ankyrin repeat domain 11; minus strand). Cytogenetic location: 16q24.3.
Variant type: single nucleotide variant.
Coding change: c.6062C>T on transcript NM_013275.6 (MANE Select); coding-DNA position 6062, C replaced by T.
Protein change: p.Ser2021Phe; replaces serine 2021 with phenylalanine.
Molecular consequence: missense variant.
Genome position (GRCh38, 1-based): chr16:89,280,480, G>A on the plus strand (C>T on the coding strand, the complement: ANKRD11 is on the minus strand). VCF-style: chr16-89280480-G-A. GRCh37 (hg19) VCF-style: chr16-89346888-G-A.
Other names: c.6062C>T, p.Ser2021Phe (NM_001256182.2, NM_001256183.2); short protein forms S2021F.
Identifiers: ClinVar variation 2168171 (VCV002168171.4), dbSNP rs747612277, ClinGen allele CA8241619.